The following is an entry in ClinVar:

ClinVar aggregate classification (germline): Pathogenic (1 of 4 stars; one submission).

Conditions:
Citrullinemia type I (CTNL1). Also called: ASS DEFICIENCY; argininosuccinate synthetase deficiency. Identifiers: Orphanet 247525, MedGen C4721769, MONDO:0008988, OMIM 215700.

Submission:

Myriad Genetics, Inc.
Classification: Pathogenic for Citrullinemia type I. Last evaluated: 2025-01-29. Review status: criteria provided, single submitter. Criteria: Myriad Autosomal Dominant, Autosomal Recessive and X-Linked Classification Criteria (2023). Collection method: clinical testing. Allele origin: unknown.
Comment: NM_000050.4(ASS1):c.1024C>T(Q342*) is expected to be pathogenic in the context of citrullinemia type 1. This variant is predicted to lead to an abnormal or absent protein product due to the creation of a premature termination codon in ASS1, a gene where loss-of-function variants are known to be pathogenic. Please note: this variant was assessed in the context of healthy population screening.

NM_054012.4(ASS1):c.1024C>T (p.Gln342Ter)

Gene: ASS1 (argininosuccinate synthase 1; plus strand). Cytogenetic location: 9q34.11.
Variant type: single nucleotide variant.
Coding change: c.1024C>T on transcript NM_054012.4 (MANE Select); coding-DNA position 1024, C replaced by T.
Protein change: p.Gln342Ter; replaces glutamine 342 with a stop codon.
Molecular consequence: nonsense.
Genome position (GRCh38, 1-based): chr9:130,494,920, C>T. VCF-style: chr9-130494920-C-T. GRCh37 (hg19) VCF-style: chr9-133370307-C-T.
Other names: c.1024C>T, p.Gln342Ter (NM_000050.4); short protein forms Q342*.
Identifiers: ClinVar variation 5014031 (VCV005014031.1).